The following is an entry in ClinVar:

NM_177438.3(DICER1):c.2131C>G (p.His711Asp)

Gene: DICER1 (dicer 1, ribonuclease III; minus strand). Cytogenetic location: 14q32.13.
Variant type: single nucleotide variant.
Coding change: c.2131C>G on transcript NM_177438.3 (MANE Select); coding-DNA position 2131, C replaced by G.
Protein change: p.His711Asp; replaces histidine 711 with aspartic acid.
Molecular consequence: missense variant. On other transcripts: non-coding transcript variant (6).
Genome position (GRCh38, 1-based): chr14:95,111,442, G>C on the plus strand (C>G on the coding strand, the complement: DICER1 is on the minus strand). VCF-style: chr14-95111442-G-C. GRCh37 (hg19) VCF-style: chr14-95577779-G-C.
Other names: c.2131C>G, p.His711Asp (NM_001195573.1, NM_001271282.3, NM_001291628.2 and 13 more transcripts); c.1849C>G, p.His617Asp (NM_001395686.1); c.1726C>G, p.His576Asp (NM_001395687.1, NM_001395688.1, NM_001395689.1 and 3 more transcripts); c.1564C>G, p.His522Asp (NM_001395691.1); c.448C>G, p.His150Asp (NM_001395697.1); short protein forms H576D, H711D, H150D, H522D, H617D.
Identifiers: ClinVar variation 1786410 (VCV001786410.2), dbSNP rs2542914093, ClinGen allele CA390882890.

ClinVar aggregate classification (germline): Uncertain significance (1 of 4 stars; one submission).

Conditions:
Hereditary cancer-predisposing syndrome. Also called: Neoplastic Syndromes, Hereditary; Tumor predisposition; Hereditary Cancer Syndrome; Hereditary neoplastic syndrome. Identifiers: Orphanet 140162, MedGen C0027672, MeSH D009386, MONDO:0015356.

Submission:

Ambry Genetics
Classification: Uncertain significance for Hereditary cancer-predisposing syndrome. Last evaluated: 2019-10-21. Review status: criteria provided, single submitter. Criteria: Ambry Variant Classification Scheme 2023. Collection method: clinical testing. Allele origin: germline.
Comment: The p.H711D variant (also known as c.2131C>G), located in coding exon 13 of the DICER1 gene, results from a C to G substitution at nucleotide position 2131. The histidine at codon 711 is replaced by aspartic acid, an amino acid with similar properties. This amino acid position is highly conserved in available vertebrate species. In addition, this alteration is predicted to be deleterious by in silico analysis. Since supporting evidence is limited at this time, the clinical significance of this alteration remains unclear.